The following is an entry in ClinVar:

NM_001231.5(CASQ1):c.832_835dup (p.Asp279delinsGlyTer)

Gene: CASQ1 (calsequestrin 1; plus strand). Cytogenetic location: 1q23.2.
Variant type: Duplication.
Coding change: c.832_835dup on transcript NM_001231.5 (MANE Select); coding-DNA positions 832 to 835, 4 bases duplicated (GATG; older notation c.832_835dupGATG).
Protein change: p.Asp279delinsGlyTer.
Molecular consequence: nonsense.
Genome position (GRCh38, 1-based): chr1:160,198,680-160,198,683, GATG duplicated; duplicating any 4 consecutive bases within chr1:160,198,679-160,198,683 gives the same sequence; the c. name uses the placement nearest the transcript's 3' end. VCF-style (leftmost placement, unchanged base first): chr1-160198678-A-AGGAT. GRCh37 (hg19) VCF-style: chr1-160168468-A-AGGAT.
Identifiers: ClinVar variation 3717426 (VCV003717426.2).

ClinVar aggregate classification (germline): Uncertain significance (1 of 4 stars; one submission).

Submission:

Labcorp Genetics (formerly Invitae), Labcorp
Classification: Uncertain significance. Last evaluated: 2024-09-15. Review status: criteria provided, single submitter. Criteria: Invitae Variant Classification Sherloc (09022015). Collection method: clinical testing. Allele origin: germline.
Comment: This sequence change creates a premature translational stop signal (p.Asp279Glyfs*2) in the CASQ1 gene. It is expected to result in an absent or disrupted protein product. However, the current clinical and genetic evidence is not sufficient to establish whether loss-of-function variants in CASQ1 cause disease. This variant is not present in population databases (gnomAD no frequency). This variant has not been reported in the literature in individuals affected with CASQ1-related conditions. In summary, the available evidence is currently insufficient to determine the role of this variant in disease. Therefore, it has been classified as a Variant of Uncertain Significance.